The following is an entry in ClinVar:

ClinVar aggregate classification (germline): Likely pathogenic (1 of 4 stars; one submission).

Submission:

GeneDx
Classification: Likely pathogenic. Last evaluated: 2019-11-04. Review status: criteria provided, single submitter. Criteria: GeneDx Variant Classification Process June 2021. Collection method: clinical testing. Allele origin: germline. Affected: yes.
Comment: Not observed in large population cohorts (Lek et al., 2016); In silico analysis, which includes protein predictors and evolutionary conservation, supports a deleterious effect; This variant is associated with the following publications: (PMID: 29655203)

NM_001323289.2(CDKL5):c.121A>T (p.Ile41Phe)

Gene: CDKL5 (cyclin dependent kinase like 5; plus strand). Cytogenetic location: Xp22.13.
Variant type: single nucleotide variant.
Coding change: c.121A>T on transcript NM_001323289.2 (MANE Select); coding-DNA position 121, A replaced by T.
Protein change: p.Ile41Phe; replaces isoleucine 41 with phenylalanine.
Molecular consequence: missense variant.
Genome position (GRCh38, 1-based): chrX:18,564,498, A>T. VCF-style: chrX-18564498-A-T. GRCh37 (hg19) VCF-style: chrX-18582618-A-T.
Other names: p.I41F:ATC>TTC; c.121A>T, p.Ile41Phe (NM_001037343.2, NM_003159.3); short protein forms I41F.
Identifiers: ClinVar variation 156590 (VCV000156590.4), dbSNP rs587783071, ClinGen allele CA294582.